The following is an entry in ClinVar:

ClinVar aggregate classification (germline): Pathogenic. Review status: criteria provided, multiple submitters, no conflicts (2 of 4 stars). 2 submissions from 2 submitters: Pathogenic (2). Last evaluated 2024-07-05.

Submissions (2):

GeneDx
Classification: Pathogenic. Last evaluated: 2024-07-05. Review status: criteria provided, single submitter. Criteria: GeneDx Variant Classification Process June 2021. Collection method: clinical testing. Allele origin: germline. Affected: yes.
Comment: Occurs in the triple helical domain and replaces a glycine in a canonical Gly-X-Y repeat; missense substitution of a canonical glycine residue is expected to disrupt normal protein folding and function, and this is an established mechanism of disease (PMID: 34007986); Not observed at significant frequency in large population cohorts (gnomAD); In silico analysis supports that this missense variant has a deleterious effect on protein structure/function; In silico analysis suggests this variant may impact gene splicing. In the absence of RNA/functional studies, the actual effect of this sequence change is unknown.; This variant is associated with the following publications: (PMID: 34007986, 8800927, 36307859)

Revvity Omics, Revvity
Classification: Pathogenic. Last evaluated: 2023-01-03. Review status: criteria provided, single submitter. Criteria: ACMG Guidelines, 2015. Collection method: clinical testing. Allele origin: germline.

NM_000089.4(COL1A2):c.2405G>A (p.Gly802Asp)

Gene: COL1A2 (collagen type I alpha 2 chain; plus strand). Cytogenetic location: 7q21.3.
Variant type: single nucleotide variant.
Coding change: c.2405G>A on transcript NM_000089.4 (MANE Select); coding-DNA position 2405, G replaced by A.
Protein change: p.Gly802Asp; replaces glycine 802 with aspartic acid.
Molecular consequence: missense variant.
Genome position (GRCh38, 1-based): chr7:94,422,958, G>A. VCF-style: chr7-94422958-G-A. GRCh37 (hg19) VCF-style: chr7-94052270-G-A.
Other names: short protein forms G802D.
Identifiers: ClinVar variation 2435773 (VCV002435773.4), dbSNP rs1562906013, ClinGen allele CA368223870.